The following is an entry in ClinVar:

NM_032578.4(MYPN):c.2246G>C (p.Ser749Thr)

Gene: MYPN (myopalladin; plus strand). Cytogenetic location: 10q21.3.
Variant type: single nucleotide variant.
Coding change: c.2246G>C on transcript NM_032578.4 (MANE Select); coding-DNA position 2246, G replaced by C.
Protein change: p.Ser749Thr; replaces serine 749 with threonine.
Molecular consequence: missense variant. On other transcripts: non-coding transcript variant (2).
Genome position (GRCh38, 1-based): chr10:68,174,338, G>C. VCF-style: chr10-68174338-G-C. GRCh37 (hg19) VCF-style: chr10-69934095-G-C.
Other names: c.2246G>C, p.Ser749Thr (NM_001256267.2); c.1364G>C, p.Ser455Thr (NM_001256268.2); short protein forms S749T, S455T.
Identifiers: ClinVar variation 1788349 (VCV001788349.4), dbSNP rs780085391, ClinGen allele CA376845682.

ClinVar aggregate classification (germline): Uncertain significance. Review status: criteria provided, multiple submitters, no conflicts (2 of 4 stars). 2 submissions from 2 submitters: Uncertain significance (2). Last evaluated 2019-04-30.

Conditions:
Cardiovascular phenotype. Identifiers: MedGen CN230736.
Dilated cardiomyopathy 1KK (CMD1KK). Identifiers: Orphanet 154, Orphanet 75249, MedGen C3714995, MONDO:0014100, OMIM 615248.
MYPN-related myopathy (CMYO24). Also called: Nemaline myopathy 11, autosomal recessive. Identifiers: MedGen C4479186, MONDO:0015023, OMIM 617336.

Submissions (2):

Ambry Genetics
Classification: Uncertain significance for Cardiovascular phenotype. Last evaluated: 2019-04-30. Review status: criteria provided, single submitter. Criteria: Ambry Variant Classification Scheme 2023. Collection method: clinical testing. Allele origin: germline.
Comment: The p.S749T variant (also known as c.2246G>C), located in coding exon 10 of the MYPN gene, results from a G to C substitution at nucleotide position 2246. The serine at codon 749 is replaced by threonine, an amino acid with similar properties. This amino acid position is not well conserved in available vertebrate species. In addition, this alteration is predicted to be tolerated by in silico analysis. Since supporting evidence is limited at this time, the clinical significance of this alteration remains unclear.

Center for Genomics, Ann and Robert H. Lurie Children's Hospital of Chicago
Classification: Uncertain significance for Dilated cardiomyopathy 1KK; MYPN-related myopathy. Review status: criteria provided, single submitter. Criteria: ACMG Guidelines, 2015. Collection method: clinical testing. Allele origin: germline.
Comment: MYPN NM_032578.3 exon 11 p.Ser749Thr (c.2246G>C): This variant has not been reported in the literature and is not present in large control databases. Evolutionary conservation and computational predictive tools suggest that this variant may not impact the protein. In summary, data on this variant is insufficient for disease classification. Therefore, the clinical significance of this variant is uncertain.